The following is an entry in ClinVar:

NM_000069.3(CACNA1S):c.2703G>A (p.Val901=)

Gene: CACNA1S (calcium voltage-gated channel subunit alpha1 S; minus strand). Cytogenetic location: 1q32.1.
Variant type: single nucleotide variant.
Coding change: c.2703G>A on transcript NM_000069.3 (MANE Select); coding-DNA position 2703, G replaced by A.
Protein change: p.Val901=; no amino-acid change (valine 901 retained).
Molecular consequence: synonymous variant.
Genome position (GRCh38, 1-based): chr1:201,066,271, C>T on the plus strand (G>A on the coding strand, the complement: CACNA1S is on the minus strand). VCF-style: chr1-201066271-C-T. GRCh37 (hg19) VCF-style: chr1-201035399-C-T.
Identifiers: ClinVar variation 3386343 (VCV003386343.1).
Genomic context (GRCh38, chr1:201,066,271, plus strand): 5'-GCCCGGGCCCTCTCTCACCTTCAACCCCTTGGCTCTGTTGATGGCTCTGAGTGGTCGGAG[C>T]ACCCTCAGCACCCTCAGGATCTTCACCACGGAGATGGCACTGGACCTGGGGGGCGGCAAT-3'
Protein context (NP_000060.2, residues 891-911): SVVKILRVLR[Val901=]LRPLRAINRA

ClinVar aggregate classification (germline): Likely benign (1 of 4 stars; one submission).

Conditions:
Malignant hyperthermia, susceptibility to, 5 (MHS5). Also called: CACNA1S-Related Malignant Hyperthermia Susceptibility. Identifiers: Orphanet 423, MedGen C1866077, MONDO:0011163, OMIM 601887.

Submission:

All of Us Research Program, National Institutes of Health
Classification: Likely benign for Malignant hyperthermia, susceptibility to, 5. Last evaluated: 2024-06-09. Review status: criteria provided, single submitter. Criteria: ACMG Guidelines, 2015. Collection method: clinical testing. Allele origin: germline. Inheritance: Autosomal dominant inheritance. Observed: 2 variant alleles, 2 heterozygotes.
Comment: This study involves interpretation of variants in research participants for the purpose of population health screening. Participant phenotype was not available at the time of variant classification. Additional details can be found in publication PMID: 35346344, PMCID: PMC8962531